The following is an entry in ClinVar:

NM_021098.3(CACNA1H):c.1991_1992delinsCT (p.Val664Ala)

Gene: CACNA1H (calcium voltage-gated channel subunit alpha1 H; plus strand). Cytogenetic location: 16p13.3.
Variant type: Indel.
Coding change: c.1991_1992delinsCT on transcript NM_021098.3 (MANE Select); coding-DNA positions 1991 to 1992, TC replaced by CT.
Protein change: p.Val664Ala; replaces valine 664 with alanine.
Molecular consequence: missense variant.
Genome position (GRCh38, 1-based): chr16:1,202,441-1,202,442, TC replaced by CT. VCF-style: chr16-1202441-TC-CT. GRCh37 (hg19) VCF-style: chr16-1252441-TC-CT.
Other names: c.1991_1992delinsCT, p.Val664Ala (NM_001005407.2); short protein forms V664A.
Identifiers: ClinVar variation 961897 (VCV000961897.9), dbSNP rs1968071552, ClinGen allele CA1139664230.

ClinVar aggregate classification (germline): Uncertain significance (1 of 4 stars; one submission).

Conditions:
Idiopathic generalized epilepsy. Also called: Generalised epilepsy; EIG. Identifiers: MedGen C0270850, MONDO:0005579, OMIM 600669.
Hyperaldosteronism, familial, type IV (HALD4). Also called: FH IV; ALDOSTERONISM, PRIMARY, AND HYPERTENSION. Identifiers: Orphanet 642671, MedGen C4310756, MONDO:0014875, OMIM 617027.

Submission:

Labcorp Genetics (formerly Invitae), Labcorp
Classification: Uncertain significance for Idiopathic generalized epilepsy; Hyperaldosteronism, familial, type IV. Last evaluated: 2025-10-10. Review status: criteria provided, single submitter. Criteria: Invitae Variant Classification Sherloc (09022015). Collection method: clinical testing. Allele origin: germline.
Comment: This sequence change replaces valine, which is neutral and non-polar, with alanine, which is neutral and non-polar, at codon 664 of the CACNA1H protein (p.Val664Ala). This variant is present in population databases (no rsID available, gnomAD 0.002%). This missense change has been observed in individual(s) with epilepsy (PMID: 21703448, 24277868). ClinVar contains an entry for this variant (Variation ID: 961897). An algorithm developed to predict the effect of missense changes on protein structure and function (PolyPhen-2) suggests that this variant is likely to be disruptive. In summary, the available evidence is currently insufficient to determine the role of this variant in disease. Therefore, it has been classified as a Variant of Uncertain Significance.

Literature cited by the submitters: PubMed 21703448; PubMed 24277868.